The following is an entry in ClinVar:

NM_005732.4(RAD50):c.901G>A (p.Asp301Asn)

Gene: RAD50 (RAD50 double strand break repair protein; plus strand). Cytogenetic location: 5q31.1.
Variant type: single nucleotide variant.
Coding change: c.901G>A on transcript NM_005732.4 (MANE Select); coding-DNA position 901, G replaced by A.
Protein change: p.Asp301Asn; replaces aspartic acid 301 with asparagine.
Molecular consequence: missense variant.
Genome position (GRCh38, 1-based): chr5:132,587,939, G>A. VCF-style: chr5-132587939-G-A. GRCh37 (hg19) VCF-style: chr5-131923631-G-A.
Other names: short protein forms D301N.
Identifiers: ClinVar variation 1765505 (VCV001765505.2), dbSNP rs766694532, ClinGen allele CA3405059.

ClinVar aggregate classification (germline): Uncertain significance (1 of 4 stars; one submission).

Conditions:
Hereditary cancer-predisposing syndrome. Also called: Neoplastic Syndromes, Hereditary; Tumor predisposition; Hereditary Cancer Syndrome; Hereditary neoplastic syndrome. Identifiers: Orphanet 140162, MedGen C0027672, MeSH D009386, MONDO:0015356.

Allele frequency attached by ClinVar (database versions not stated): ExAC 0.00001; gnomAD exomes 0.00001.
gnomAD v4.1: 3 of 1,613,130 alleles (0.00019%); highest among the groups gnomAD compares: South Asian, 0.0033%; no homozygotes.

Submission:

Ambry Genetics
Classification: Uncertain significance for Hereditary cancer-predisposing syndrome. Last evaluated: 2022-05-21. Review status: criteria provided, single submitter. Criteria: Ambry Variant Classification Scheme 2023. Collection method: clinical testing. Allele origin: germline.
Comment: The p.D301N variant (also known as c.901G>A), located in coding exon 7 of the RAD50 gene, results from a G to A substitution at nucleotide position 901. The aspartic acid at codon 301 is replaced by asparagine, an amino acid with highly similar properties. This amino acid position is conserved. In addition, this alteration is predicted to be tolerated by in silico analysis. Since supporting evidence is limited at this time, the clinical significance of this alteration remains unclear.